The following is an entry in ClinVar:

ClinVar aggregate classification (germline): Uncertain significance. Review status: criteria provided, multiple submitters, no conflicts (2 of 4 stars). 5 submissions from 5 submitters: Uncertain significance (5). Last evaluated 2026-01-30.

Conditions:
NTHL1-related disorder. Also called: NTHL1-related conditions; NTHL1-related condition.
Hereditary cancer-predisposing syndrome. Also called: Tumor predisposition; Hereditary neoplastic syndrome; Neoplastic Syndromes, Hereditary; Hereditary Cancer Syndrome. Identifiers: Orphanet 140162, MedGen C0027672, MeSH D009386, MONDO:0015356.
Familial adenomatous polyposis 3. Also called: NTHL1-Related Adenomatous Polyposis and Colorectal Cancer; NTHL1-associated polyposis; NTHL1 Tumor Syndrome; NTHL1-related attenuated familial adenomatous polyposis. Identifiers: Orphanet 220460, Orphanet 454840, MedGen C4225157, MONDO:0014630, OMIM 616415.

Allele frequency attached by ClinVar (database versions not stated): gnomAD 0.00001.

Submissions (5):

PreventionGenetics, part of Exact Sciences
Classification: Uncertain significance for NTHL1-related condition. Last evaluated: 2026-01-30. Review status: criteria provided, single submitter. Criteria: ACMG Guidelines, 2015. Collection method: clinical testing. Allele origin: germline.
Comment: The NTHL1 c.122G>A variant is predicted to result in the amino acid substitution p.Arg41Lys. To our knowledge, this variant has not been reported in the literature in individuals with NTHL1-related disease. This variant is reported in 0.011% of alleles in individuals of African descent in gnomAD and is classified as a variant of uncertain significance in ClinVar (Variation ID: 1019509). At this time, the clinical significance of this variant is uncertain due to the absence of conclusive functional and genetic evidence.

Labcorp Genetics (formerly Invitae), Labcorp
Classification: Uncertain significance. Last evaluated: 2025-07-21. Review status: criteria provided, single submitter. Criteria: Invitae Variant Classification Sherloc (09022015). Collection method: clinical testing. Allele origin: germline.
Comment: This sequence change replaces arginine, which is basic and polar, with lysine, which is basic and polar, at codon 41 of the NTHL1 protein (p.Arg41Lys). This variant is present in population databases (no rsID available, gnomAD 0.01%). This variant has not been reported in the literature in individuals affected with NTHL1-related conditions. ClinVar contains an entry for this variant (Variation ID: 1019509). An algorithm developed to predict the effect of missense changes on protein structure and function outputs the following: PolyPhen-2: "Benign". The lysine amino acid residue is found in multiple mammalian species, which suggests that this missense change does not adversely affect protein function. In summary, the available evidence is currently insufficient to determine the role of this variant in disease. Therefore, it has been classified as a Variant of Uncertain Significance.

Ambry Genetics
Classification: Uncertain significance for Hereditary cancer-predisposing syndrome. Last evaluated: 2025-02-12. Review status: criteria provided, single submitter. Criteria: Ambry Variant Classification Scheme 2023. Collection method: clinical testing. Allele origin: germline.
Comment: The p.R41K variant (also known as c.122G>A), located in coding exon 1 of the NTHL1 gene, results from a G to A substitution at nucleotide position 122. The arginine at codon 41 is replaced by lysine, an amino acid with highly similar properties. This amino acid position is not well conserved in available vertebrate species. In addition, this alteration is predicted to be tolerated by in silico analysis. Since supporting evidence is limited at this time, the clinical significance of this alteration remains unclear.

Department of Pathology and Laboratory Medicine, Sinai Health System
Classification: Uncertain significance for Familial adenomatous polyposis 3. Last evaluated: 2023-10-23. Review status: criteria provided, single submitter. Criteria: ACMG Guidelines, 2015. Collection method: clinical testing. Allele origin: germline. Affected: yes.

Baylor Genetics
Classification: Uncertain significance for Familial adenomatous polyposis 3. Last evaluated: 2023-08-04. Review status: criteria provided, single submitter. Criteria: ACMG Guidelines, 2015. Collection method: clinical testing. Allele origin: unknown.

Literature cited by the submitters: PubMed 32595826 (cited by Department of Pathology and Laboratory Medicine, Sinai Health System).

NM_002528.7(NTHL1):c.98G>A (p.Arg33Lys)

Gene: NTHL1 (nth like DNA glycosylase 1; minus strand). Cytogenetic location: 16p13.3.
Variant type: single nucleotide variant.
Coding change: c.98G>A on transcript NM_002528.7 (MANE Select); coding-DNA position 98, G replaced by A.
Protein change: p.Arg33Lys; replaces arginine 33 with lysine.
Molecular consequence: missense variant. On other transcripts: 5 prime UTR variant (1).
Genome position (GRCh38, 1-based): chr16:2,047,726, C>T on the plus strand (G>A on the coding strand, the complement: NTHL1 is on the minus strand). VCF-style: chr16-2047726-C-T. GRCh37 (hg19) VCF-style: chr16-2097727-C-T.
Other names: c.122G>A (NM_002528.6); c.98G>A, p.Arg33Lys (NM_001318193.2); c.-81G>A (NM_001318194.2); short protein forms R33K.
Identifiers: ClinVar variation 1019509 (VCV001019509.14), dbSNP rs1421779919, ClinGen allele CA394298298.